The following is an entry in ClinVar:

ClinVar aggregate classification (germline): Uncertain significance (1 of 4 stars; one submission).

Conditions:
Leigh syndrome (NULS). Also called: Leigh's necrotizing encephalopathy; Leigh's disease; Leigh's syndrome; LEIGH SYNDROME, NUCLEAR; Leigh Syndrome (mtDNA deletion); Leigh Disease. Identifiers: Orphanet 506, MedGen C2931891, MONDO:0009723, OMIM 256000.

Submission:

Wong Mito Lab, Molecular and Human Genetics, Baylor College of Medicine
Classification: Uncertain significance for Leigh syndrome. Last evaluated: 2019-10-17. Review status: criteria provided, single submitter. Criteria: Modified ACMG Guidelines (Unpublished). Collection method: clinical testing. Allele origin: germline.
Comment: The NC_012920.1:m.14042A>T (YP_003024036.1:p.His569Leu) variant in MTND5 gene is interpretated to be a Uncertain Significance variant based on the modified ACMG guidelines (unpublished). This variant meets the following evidence codes: PP7, BP4

NC_012920.1(MT-ND5):m.14042A>T

Gene: MT-ND5 (mitochondrially encoded NADH dehydrogenase 5; plus strand).
Variant type: single nucleotide variant.
Genome position: chrM-14042-A-T.
Identifiers: ClinVar variation 693654 (VCV000693654.1), dbSNP rs1603224485, ClinGen allele CA414820643.